The following is an entry in ClinVar:

ClinVar aggregate classification (germline): Conflicting classifications of pathogenicity. Review status: criteria provided, conflicting classifications (1 of 4 stars). 2 submissions from 2 submitters: Uncertain significance (1); Likely benign (1). Last evaluated 2025-11-25.

Conditions:
Inborn genetic diseases. Identifiers: MedGen C0950123, MeSH D030342.

Allele frequency attached by ClinVar (database versions not stated): gnomAD 0.00008; TOPMed 0.00010; ExAC 0.00015; 1000 Genomes Project 30x 0.00047; 1000 Genomes Project 0.00060.
gnomAD v4.1: 66 of 1,608,438 alleles (0.0041%); highest among the groups gnomAD compares: East Asian, 0.056%; no homozygotes.

Submissions (2):

GeneDx
Classification: Uncertain significance. Last evaluated: 2025-11-25. Review status: criteria provided, single submitter. Criteria: GeneDx Variant Classification Process June 2021. Collection method: clinical testing. Allele origin: germline. Affected: yes.
Comment: Identified with a second variant (phase unknown) in a patient with polycystic kidney disease in published literature (PMID: 30333007); In silico analysis suggests that this missense variant does not alter protein structure/function; This variant is associated with the following publications: (PMID: 35620448, 30333007)

Ambry Genetics
Classification: Likely benign for Inborn genetic diseases. Last evaluated: 2025-04-18. Review status: criteria provided, single submitter. Criteria: Ambry Variant Classification Scheme 2023. Collection method: clinical testing. Allele origin: germline.

NM_001009944.3(PKD1):c.8744A>G (p.Asn2915Ser)

Gene: PKD1 (polycystin 1, transient receptor potential channel interacting; minus strand). Cytogenetic location: 16p13.3.
Variant type: single nucleotide variant.
Coding change: c.8744A>G on transcript NM_001009944.3 (MANE Select); coding-DNA position 8744, A replaced by G.
Protein change: p.Asn2915Ser; replaces asparagine 2915 with serine.
Molecular consequence: missense variant.
Genome position (GRCh38, 1-based): chr16:2,103,313, T>C on the plus strand (A>G on the coding strand, the complement: PKD1 is on the minus strand). VCF-style: chr16-2103313-T-C. GRCh37 (hg19) VCF-style: chr16-2153314-T-C.
Other names: c.8744A>G (NM_000296.3); c.8744A>G, p.Asn2915Ser (NM_000296.4); short protein forms N2915S.
Identifiers: ClinVar variation 2501474 (VCV002501474.4), dbSNP rs533221512, ClinGen allele CA7830400.